The following is an entry in ClinVar:

NM_002900.3(RBP3):c.229G>C (p.Gly77Arg)

Gene: RBP3 (retinol binding protein 3; plus strand). Cytogenetic location: 10q11.22.
Variant type: single nucleotide variant.
Coding change: c.229G>C on transcript NM_002900.3 (MANE Select); coding-DNA position 229, G replaced by C.
Protein change: p.Gly77Arg; replaces glycine 77 with arginine.
Molecular consequence: missense variant.
Genome position (GRCh38, 1-based): chr10:47,348,713, G>C. VCF-style: chr10-47348713-G-C. GRCh37 (hg19) VCF-style: chr10-48390649-C-G.
Other names: c.229G>C (NM_002900.2); short protein forms G77R.
Identifiers: ClinVar variation 2144199 (VCV002144199.4), dbSNP rs781916311, ClinGen allele CA376664534.

ClinVar aggregate classification (germline): Uncertain significance. Review status: criteria provided, multiple submitters, no conflicts (2 of 4 stars). 3 submissions from 3 submitters: Uncertain significance (3). Last evaluated 2025-08-05.

Conditions:
Inborn genetic diseases. Identifiers: MedGen C0950123, MeSH D030342.

gnomAD v4.1: 5 of 1,613,480 alleles (0.00031%); highest among the groups gnomAD compares: African/African-American, 0.0013%; no homozygotes.

Submissions (3):

Ambry Genetics
Classification: Uncertain significance for Inborn genetic diseases. Last evaluated: 2025-08-05. Review status: criteria provided, single submitter. Criteria: Ambry Variant Classification Scheme 2023. Collection method: clinical testing. Allele origin: germline.

Blueprint Genetics
Classification: Uncertain significance. Last evaluated: 2022-08-23. Review status: criteria provided, single submitter. Criteria: ACMG Guidelines, 2015. Collection method: clinical testing. Allele origin: germline.

Labcorp Genetics (formerly Invitae), Labcorp
Classification: Uncertain significance. Last evaluated: 2022-04-04. Review status: criteria provided, single submitter. Criteria: Invitae Variant Classification Sherloc (09022015). Collection method: clinical testing. Allele origin: germline.
Comment: This sequence change replaces glycine, which is neutral and non-polar, with arginine, which is basic and polar, at codon 77 of the RBP3 protein (p.Gly77Arg). This variant is not present in population databases (gnomAD no frequency). This variant has not been reported in the literature in individuals affected with RBP3-related conditions. Algorithms developed to predict the effect of missense changes on protein structure and function (SIFT, PolyPhen-2, Align-GVGD) all suggest that this variant is likely to be disruptive. In summary, the available evidence is currently insufficient to determine the role of this variant in disease. Therefore, it has been classified as a Variant of Uncertain Significance.